The following is an entry in ClinVar:

ClinVar aggregate classification (germline): Conflicting classifications of pathogenicity. Review status: criteria provided, conflicting classifications (1 of 4 stars). 5 submissions from 5 submitters: Uncertain significance (1); Likely benign (3). 1 of the submissions does not count toward it. Last evaluated 2026-01-25.

Conditions:
Junctional epidermolysis bullosa. Identifiers: Orphanet 305, MedGen C0079301, MONDO:0017612.

Allele frequency attached by ClinVar (database versions not stated): TOPMed 0.00068; ESP Exome Variant Server 0.00069; gnomAD 0.00087 and 0.00088; ExAC 0.00090; gnomAD exomes 0.00093.
gnomAD v4.1: 1,519 of 1,614,060 alleles (0.094%); highest among the groups gnomAD compares: Non-Finnish European, 0.1%; 2 homozygotes.

Submissions (5):

Labcorp Genetics (formerly Invitae), Labcorp
Classification: Likely benign. Last evaluated: 2026-01-25. Review status: criteria provided, single submitter. Criteria: Invitae Variant Classification Sherloc (09022015). Collection method: clinical testing. Allele origin: germline.

Blueprint Genetics
Classification: Likely benign. Last evaluated: 2024-11-13. Review status: criteria provided, single submitter. Criteria: ACMG Guidelines, 2015. Collection method: clinical testing. Allele origin: germline.

CeGaT Center for Human Genetics Tuebingen
Classification: Likely benign. Last evaluated: 2023-03-01. Review status: criteria provided, single submitter. Criteria: CeGaT Center For Human Genetics Tuebingen Variant Classification Criteria Version 2. Collection method: clinical testing. Allele origin: germline. Affected: yes. Observed: 2 variant alleles.
Comment: LAMB3: BP4, BS2

Illumina Laboratory Services, Illumina
Classification: Uncertain significance for Junctional epidermolysis bullosa. Last evaluated: 2018-01-13. Review status: criteria provided, single submitter. Criteria: ICSL Variant Classification Criteria 13 December 2019. Collection method: clinical testing. Allele origin: germline.

Department of Pathology and Laboratory Medicine, Sinai Health System
Classification: Likely benign. Review status: no assertion criteria provided. Collection method: clinical testing. Allele origin: unknown. Affected: yes. Study: The Canadian Open Genetics Repository (COGR). Not counted in ClinVar's aggregate classification.
Comment: The LAMB3 p.Arg183His variant was not identified in the literature but was identified in dbSNP (ID: rs150895872) and ClinVar (classified as likely benign by Invitae). The variant was identified in control databases in 272 of 282028 chromosomes (1 homozygous) at a frequency of 0.0009644 increasing the likelihood this could be a low frequency benign variant (Genome Aggregation Database March 6, 2019, v2.1.1). The variant was observed in the following populations: European (Finnish) in 77 of 25124 chromosomes (freq: 0.003065), Other in 10 of 7220 chromosomes (freq: 0.001385), European (non-Finnish) in 169 of 128358 chromosomes (freq: 0.001317), Latino in 6 of 35438 chromosomes (freq: 0.000169), East Asian in 3 of 19952 chromosomes (freq: 0.00015), African in 3 of 24956 chromosomes (freq: 0.00012), South Asian in 3 of 30616 chromosomes (freq: 0.000098), and Ashkenazi Jewish in 1 of 10364 chromosomes (freq: 0.000096). The p.Arg183 residue is not conserved in mammals and computational analyses (PolyPhen-2, SIFT, AlignGVGD, BLOSUM, MutationTaster) do not suggest a high likelihood of impact to the protein; however, this information is not predictive enough to rule out pathogenicity. The variant occurs outside of the splicing consensus sequence and in silico or computational prediction software programs (SpliceSiteFinder, MaxEntScan, NNSPLICE, GeneSplicer) do not predict a difference in splicing. In summary, based on the above information the clinical significance of this variant cannot be determined with certainty at this time although we would lean towards a more benign role for this variant. This variant is classified as likely benign.

NM_000228.3(LAMB3):c.548G>A (p.Arg183His)

Gene: LAMB3 (laminin subunit beta 3; minus strand). Cytogenetic location: 1q32.2.
Variant type: single nucleotide variant.
Coding change: c.548G>A on transcript NM_000228.3 (MANE Select); coding-DNA position 548, G replaced by A.
Protein change: p.Arg183His; replaces arginine 183 with histidine.
Molecular consequence: missense variant.
Genome position (GRCh38, 1-based): chr1:209,634,463, C>T on the plus strand (G>A on the coding strand, the complement: LAMB3 is on the minus strand). VCF-style: chr1-209634463-C-T. GRCh37 (hg19) VCF-style: chr1-209807808-C-T.
Other names: c.548G>A, p.Arg183His (NM_001017402.2, NM_001127641.1); short protein forms R183H.
Identifiers: ClinVar variation 721069 (VCV000721069.40), dbSNP rs150895872, ClinGen allele CA1375941.
Genomic context (GRCh38, chr1:209,634,463, plus strand): 5'-GGGATTTCTCCCCAGGCCTACTTTTCAGGATTCCCTCTACCTACCTTCCCCCCATTTAGG[C>T]GTGCATTAGGCCTCTGAGGCAGGGACTGGCACCGAACATCCTGCCAGCTCTGAGGCCGAC-3'
Protein context (NP_000219.2, residues 173-193): CQSLPQRPNA[Arg183His]LNGGKVQLNL